The following is an entry in ClinVar:

NM_000875.5(IGF1R):c.3778C>A (p.Leu1260Met)

Gene: IGF1R (insulin like growth factor 1 receptor; plus strand). Cytogenetic location: 15q26.3.
Variant type: single nucleotide variant.
Coding change: c.3778C>A on transcript NM_000875.5 (MANE Select); coding-DNA position 3778, C replaced by A.
Protein change: p.Leu1260Met; replaces leucine 1260 with methionine.
Molecular consequence: missense variant.
Genome position (GRCh38, 1-based): chr15:98,957,116, C>A. VCF-style: chr15-98957116-C-A. GRCh37 (hg19) VCF-style: chr15-99500345-C-A.
Other names: c.3775C>A, p.Leu1259Met (NM_001291858.2); short protein forms L1259M, L1260M.
Identifiers: ClinVar variation 2572793 (VCV002572793.1), dbSNP rs2017022495, ClinGen allele CA393668032.

ClinVar aggregate classification (germline): Uncertain significance (1 of 4 stars; one submission).

Allele frequency attached by ClinVar (database versions not stated): TOPMed below 0.00001; gnomAD 0.00001.
gnomAD v4.1: 1 of 1,614,098 alleles (0.000062%); highest among the groups gnomAD compares: Admixed American, 0.0017%; no homozygotes.

Submission:

GeneDx
Classification: Uncertain significance. Last evaluated: 2023-01-11. Review status: criteria provided, single submitter. Criteria: GeneDx Variant Classification Process June 2021. Collection method: clinical testing. Allele origin: germline. Affected: yes.
Comment: Not observed at significant frequency in large population cohorts (gnomAD); In silico analysis supports that this missense variant does not alter protein structure/function; Has not been previously published as pathogenic or benign to our knowledge